The following is an entry in ClinVar:

NM_001358530.2(MOCS1):c.82A>T (p.Thr28Ser)

Gene: MOCS1 (molybdenum cofactor synthesis 1; minus strand). Cytogenetic location: 6p21.2.
Variant type: single nucleotide variant.
Coding change: c.82A>T on transcript NM_001358530.2 (MANE Select); coding-DNA position 82, A replaced by T.
Protein change: p.Thr28Ser; replaces threonine 28 with serine.
Molecular consequence: missense variant. On other transcripts: 5 prime UTR variant (2), non-coding transcript variant (1).
Genome position (GRCh38, 1-based): chr6:39,934,336, T>A on the plus strand (A>T on the coding strand, the complement: MOCS1 is on the minus strand). VCF-style: chr6-39934336-T-A. GRCh37 (hg19) VCF-style: chr6-39902075-T-A.
Other names: c.82A>T (NM_001075098.3); c.82A>T, p.Thr28Ser (NM_001075098.4, NM_001358529.2); c.-53A>T (NM_001358531.2, NM_001358533.2); short protein forms T28S.
Identifiers: ClinVar variation 1036795 (VCV001036795.6), dbSNP rs202233034, ClinGen allele CA3796502.

ClinVar aggregate classification (germline): Uncertain significance. Review status: criteria provided, multiple submitters, no conflicts (2 of 4 stars). 2 submissions from 2 submitters: Uncertain significance (2). Last evaluated 2025-11-03.

Conditions:
Inborn genetic diseases. Identifiers: MedGen C0950123, MeSH D030342.
Sulfite oxidase deficiency due to molybdenum cofactor deficiency type A. Also called: Molybdenum cofactor deficiency, complementation group A; Molybdenum Cofactor Deficiency A. Identifiers: Orphanet 308386, Orphanet 833, MedGen C1854988, MONDO:0009643, OMIM 252150.

Allele frequency attached by ClinVar (database versions not stated): ExAC 0.00007; gnomAD 0.00038 and 0.00043; gnomAD exomes 0.00011 and 0.00002; 1000 Genomes Project 30x 0.00016; TOPMed 0.00038.
gnomAD v4.1: 95 of 1,551,336 alleles (0.0061%); highest among the groups gnomAD compares: African/African-American, 0.087%; no homozygotes.

Submissions (2):

Ambry Genetics
Classification: Uncertain significance for Inborn genetic diseases. Last evaluated: 2025-11-03. Review status: criteria provided, single submitter. Criteria: Ambry Variant Classification Scheme 2023. Collection method: clinical testing. Allele origin: germline.

Labcorp Genetics (formerly Invitae), Labcorp
Classification: Uncertain significance for Sulfite oxidase deficiency due to molybdenum cofactor deficiency type A. Last evaluated: 2022-10-17. Review status: criteria provided, single submitter. Criteria: Invitae Variant Classification Sherloc (09022015). Collection method: clinical testing. Allele origin: germline.
Comment: This sequence change replaces threonine, which is neutral and polar, with serine, which is neutral and polar, at codon 28 of the MOCS1 protein (p.Thr28Ser). This variant is present in population databases (rs202233034, gnomAD 0.06%). This variant has not been reported in the literature in individuals affected with MOCS1-related conditions. ClinVar contains an entry for this variant (Variation ID: 1036795). Algorithms developed to predict the effect of missense changes on protein structure and function (SIFT, PolyPhen-2, Align-GVGD) all suggest that this variant is likely to be tolerated. In summary, the available evidence is currently insufficient to determine the role of this variant in disease. Therefore, it has been classified as a Variant of Uncertain Significance.